The following is an entry in ClinVar:

ClinVar aggregate classification (germline): Uncertain significance (1 of 4 stars; one submission).

Submission:

GeneDx
Classification: Uncertain significance. Last evaluated: 2017-08-18. Review status: criteria provided, single submitter. Criteria: GeneDx Variant Classification (06012015). Collection method: clinical testing. Allele origin: germline. Affected: yes.
Comment: The P1981H variant in the FBN1 gene has not been reported previously as a pathogenic variant, nor as a benign variant, to our knowledge. The P1981H variant is not observed in large population cohorts (Lek et al., 2016; 1000 Genomes Consortium et al., 2015; Exome Variant Server). The P1981H variant is a non-conservative amino acid substitution, which is likely to impact secondary protein structure as these residues differ in polarity, charge, size and/or other properties. This substitution occurs at a position that is conserved across species. In silico analysis predicts this variant is probably damaging to the protein structure/function. We interpret P1981H as a variant of uncertain significance

NM_000138.5(FBN1):c.5942C>A (p.Pro1981His)

Gene: FBN1 (fibrillin 1; minus strand). Cytogenetic location: 15q21.1.
Variant type: single nucleotide variant.
Coding change: c.5942C>A on transcript NM_000138.5 (MANE Select); coding-DNA position 5942, C replaced by A.
Protein change: p.Pro1981His; replaces proline 1981 with histidine.
Molecular consequence: missense variant.
Genome position (GRCh38, 1-based): chr15:48,444,636, G>T on the plus strand (C>A on the coding strand, the complement: FBN1 is on the minus strand). VCF-style: chr15-48444636-G-T. GRCh37 (hg19) VCF-style: chr15-48736833-G-T.
Other names: short protein forms P1981H.
Identifiers: ClinVar variation 451249 (VCV000451249.2), dbSNP rs1555395662, ClinGen allele CA392339852.
Genomic context (GRCh38, chr15:48,444,636, plus strand): 5'-GGGCAAATGCATCTGTAGGACCCATCCAAGTTTTGACAGGTACCTGGTGCACATTTTCTG[G>T]GTTCTAGAAGACATTCATTGATATCTGCAAAGAAAAGGGAAAAATAAGGAAGAGGTTCCC-3'
Protein context (NP_000129.3, residues 1971-1991): CVDINECLLE[Pro1981His]RKCAPGTCQN